The following is an entry in ClinVar:

ClinVar aggregate classification (germline): Uncertain significance. Review status: criteria provided, multiple submitters, no conflicts (2 of 4 stars). 2 submissions from 2 submitters: Uncertain significance (2). Last evaluated 2026-03-02.

Conditions:
Hereditary cancer-predisposing syndrome. Also called: Neoplastic Syndromes, Hereditary; Tumor predisposition; Hereditary Cancer Syndrome; Hereditary neoplastic syndrome. Identifiers: Orphanet 140162, MedGen C0027672, MeSH D009386, MONDO:0015356.
Renal cell carcinoma. Identifiers: Orphanet 217071, MedGen C0007134, MeSH D002292, MONDO:0005086, HP:0005584.

Submissions (2):

Ambry Genetics
Classification: Uncertain significance for Hereditary cancer-predisposing syndrome. Last evaluated: 2026-03-02. Review status: criteria provided, single submitter. Criteria: Ambry Variant Classification Scheme 2023. Collection method: clinical testing. Allele origin: germline.
Comment: The c.2637G>A variant (also known as p.K879K), located in coding exon 10 of the MET gene, results from a G to A substitution at nucleotide position 2637. This nucleotide substitution does not change the amino acid at codon 879. However, this change occurs in the last base pair of coding exon 10, which makes it likely to have some effect on normal mRNA splicing. This variant was reported in individual(s) with features consistent with MET-related papillary renal cell carcinoma (Ambry internal data). This nucleotide position is highly conserved in available vertebrate species. In silico splice site analysis predicts that this alteration will weaken the native splice donor site. Based on the available evidence, the clinical significance of this variant remains unclear.

Labcorp Genetics (formerly Invitae), Labcorp
Classification: Uncertain significance for Renal cell carcinoma. Last evaluated: 2023-08-06. Review status: criteria provided, single submitter. Criteria: Invitae Variant Classification Sherloc (09022015). Collection method: clinical testing. Allele origin: germline.
Comment: In summary, the available evidence is currently insufficient to determine the role of this variant in disease. Therefore, it has been classified as a Variant of Uncertain Significance. Variants that disrupt the consensus splice site are a relatively common cause of aberrant splicing (PMID: 17576681, 9536098). Algorithms developed to predict the effect of sequence changes on RNA splicing suggest that this variant may disrupt the consensus splice site. ClinVar contains an entry for this variant (Variation ID: 1476581). This variant has not been reported in the literature in individuals affected with MET-related conditions. This variant is not present in population databases (gnomAD no frequency). This sequence change affects codon 879 of the MET mRNA. It is a 'silent' change, meaning that it does not change the encoded amino acid sequence of the MET protein. This variant also falls at the last nucleotide of exon 11, which is part of the consensus splice site for this exon.

Literature cited by the submitters: PubMed 17576681 (cited by Labcorp Genetics (formerly Invitae), Labcorp); PubMed 9536098 (cited by Labcorp Genetics (formerly Invitae), Labcorp).

NM_000245.4(MET):c.2583G>A (p.Lys861=)

Gene: MET (MET proto-oncogene, receptor tyrosine kinase; plus strand). Cytogenetic location: 7q31.2.
Variant type: single nucleotide variant.
Coding change: c.2583G>A on transcript NM_000245.4 (MANE Select); coding-DNA position 2583, G replaced by A.
Protein change: p.Lys861=; no amino-acid change (lysine 861 retained).
Molecular consequence: synonymous variant.
Genome position (GRCh38, 1-based): chr7:116,763,268, G>A. VCF-style: chr7-116763268-G-A. GRCh37 (hg19) VCF-style: chr7-116403322-G-A.
Other names: c.2637G>A, p.Lys879= (NM_001127500.3); c.2583G>A, p.Lys861= (NM_001324401.3); c.1293G>A, p.Lys431= (NM_001324402.2).
Identifiers: ClinVar variation 1476581 (VCV001476581.9), dbSNP rs1584947168, ClinGen allele CA457441592.